The following is an entry in ClinVar:

ClinVar aggregate classification (germline): Likely benign (0 of 4 stars; one submission).

Conditions:
ADCY3-related disorder. Also called: ADCY3-related condition.

gnomAD v4.1: 3 of 1,613,948 alleles (0.00019%); highest among the groups gnomAD compares: African/African-American, 0.004%; no homozygotes.

Submission:

PreventionGenetics, part of Exact Sciences
Classification: Likely benign for ADCY3-related condition. Last evaluated: 2021-05-10. Review status: no assertion criteria provided. Collection method: clinical testing. Allele origin: germline.
Comment: This variant is classified as likely benign based on ACMG/AMP sequence variant interpretation guidelines (Richards et al. 2015 PMID: 25741868, with internal and published modifications).

NM_004036.5(ADCY3):c.702G>T (p.Leu234=)

Gene: ADCY3 (adenylate cyclase 3; minus strand). Cytogenetic location: 2p23.3.
Variant type: single nucleotide variant.
Coding change: c.702G>T on transcript NM_004036.5 (MANE Select); coding-DNA position 702, G replaced by T.
Protein change: p.Leu234=; no amino-acid change (leucine 234 retained).
Molecular consequence: synonymous variant. On other transcripts: 5 prime UTR variant (1).
Genome position (GRCh38, 1-based): chr2:24,872,693, C>A on the plus strand (G>T on the coding strand, the complement: ADCY3 is on the minus strand). VCF-style: chr2-24872693-C-A. GRCh37 (hg19) VCF-style: chr2-25095562-C-A.
Other names: c.702G>T, p.Leu234= (NM_001320613.2, NM_001377128.1, NM_001377129.1 and 2 more transcripts); c.-22G>T (NM_001377131.1).
Identifiers: ClinVar variation 3357374 (VCV003357374.1).
Genomic context (GRCh38, chr2:24,872,693, plus strand): 5'-GGCCTTGCGGTGCTTGCGGTCAGCCATGTAGTAGGACATGATGCCCACAGCGATGGCGCA[C>A]AGGTAGAGGAAGACGTTGGCCAGGATCTGCACCCCAAGGAAGAAGAGAGAAAAGGCCAGG-3'
Protein context (NP_004027.2, residues 224-244): REILANVFLY[Leu234=]CAIAVGIMSY